The following is an entry in ClinVar:

ClinVar aggregate classification (germline): Likely pathogenic (1 of 4 stars; one submission).

Conditions:
Hypouricemia, renal, 2. Also called: HYPOURICEMIA, RENAL, 2, AUTOSOMAL DOMINANT; HYPOURICEMIA, RENAL, 2, AUTOSOMAL RECESSIVE. Identifiers: MedGen C2677549, MONDO:0012793, OMIM 612076.

Submission:

First Genomix Gene Laboratory, Genetic Diagnostics Department
Classification: Likely pathogenic for Hypouricemia, renal, 2. Last evaluated: 2025-09-17. Review status: criteria provided, single submitter. Criteria: ACMG Guidelines, 2015. Collection method: clinical testing. Allele origin: germline. Inheritance: Autosomal recessive inheritance. Affected: no. Observed: 1 variant allele.

NM_020041.3(SLC2A9):c.682-2_682-1insC

Gene: SLC2A9 (solute carrier family 2 member 9; minus strand). Cytogenetic location: 4p16.1.
Variant type: Insertion.
Coding change: c.682-2_682-1insC on transcript NM_020041.3 (MANE Select); the canonical splice acceptor site of the intron before coding-DNA position 682, C inserted.
Molecular consequence: splice acceptor variant.
Genome position: GRCh38 VCF-style: chr4-9942046-C-CG. GRCh37 (hg19) VCF-style: chr4-9943670-C-CG.
Other names: c.595-2_595-1insC (NM_001001290.2).
Identifiers: ClinVar variation 4850359 (VCV004850359.1).
Genomic context (GRCh38, chr4:9,942,046, plus strand): 5'-CAGCAGCTGGACAACGGCAGGGACCACAATCACTCCAAACAGGTATGGCCAGGTACTCTC[C>CG]TGTGGGAGAAGGAGATGCTGCTGAGTGCAGTGGCCTTTGGTCATTGTTGAGGGGACTGGG-3'